The following is an entry in ClinVar:

NM_000256.3(MYBPC3):c.293-2A>G

Gene: MYBPC3 (myosin binding protein C3; minus strand). Cytogenetic location: 11p11.2.
Variant type: single nucleotide variant.
Coding change: c.293-2A>G on transcript NM_000256.3 (MANE Select); the canonical splice acceptor site of the intron before coding-DNA position 293, A replaced by G.
Molecular consequence: splice acceptor variant.
Genome position (GRCh38, 1-based): chr11:47,350,617, T>C on the plus strand (A>G on the coding strand, the complement: MYBPC3 is on the minus strand). VCF-style: chr11-47350617-T-C. GRCh37 (hg19) VCF-style: chr11-47372168-T-C.
Identifiers: ClinVar variation 3681967 (VCV003681967.3).

ClinVar aggregate classification (germline): Likely pathogenic. Review status: criteria provided, multiple submitters, no conflicts (2 of 4 stars). 2 submissions from 2 submitters: Likely pathogenic (2). Last evaluated 2024-10-10.

Conditions:
Hypertrophic cardiomyopathy. Also called: HYPERTROPHIC MYOCARDIOPATHY. Identifiers: Orphanet 217569, MedGen C0007194, MeSH D002312, MONDO:0005045, HP:0001639.

Submissions (2):

Labcorp Genetics (formerly Invitae), Labcorp
Classification: Likely pathogenic for Hypertrophic cardiomyopathy. Last evaluated: 2024-10-10. Review status: criteria provided, single submitter. Criteria: Invitae Variant Classification Sherloc (09022015). Collection method: clinical testing. Allele origin: germline.
Comment: This sequence change affects an acceptor splice site in intron 2 of the MYBPC3 gene. It is expected to disrupt RNA splicing. Variants that disrupt the donor or acceptor splice site typically lead to a loss of protein function (PMID: 16199547), and loss-of-function variants in MYBPC3 are known to be pathogenic (PMID: 19574547). This variant is not present in population databases (gnomAD no frequency). This variant has not been reported in the literature in individuals affected with MYBPC3-related conditions. Algorithms developed to predict the effect of sequence changes on RNA splicing suggest that this variant may disrupt the consensus splice site. In summary, the currently available evidence indicates that the variant is pathogenic, but additional data are needed to prove that conclusively. Therefore, this variant has been classified as Likely Pathogenic.

GeneDx
Classification: Likely pathogenic. Last evaluated: 2024-10-09. Review status: criteria provided, single submitter. Criteria: GeneDx Variant Classification Process June 2021. Collection method: clinical testing. Allele origin: germline. Affected: yes.
Comment: Canonical splice site variant predicted to result in an in-frame loss of the adjacent exon in a gene for which loss of function is a known mechanism of disease; Not observed at significant frequency in large population cohorts (gnomAD); Has not been previously published as pathogenic or benign to our knowledge

Literature cited by the submitters: PubMed 16199547 (cited by Labcorp Genetics (formerly Invitae), Labcorp); PubMed 19574547 (cited by Labcorp Genetics (formerly Invitae), Labcorp).